The following is an entry in ClinVar:

NM_002439.5(MSH3):c.3217G>T (p.Ala1073Ser)

Gene: MSH3 (mutS homolog 3; plus strand). Cytogenetic location: 5q14.1.
Variant type: single nucleotide variant.
Coding change: c.3217G>T on transcript NM_002439.5 (MANE Select); coding-DNA position 3217, G replaced by T.
Protein change: p.Ala1073Ser; replaces alanine 1073 with serine.
Molecular consequence: missense variant.
Genome position (GRCh38, 1-based): chr5:80,873,202, G>T. VCF-style: chr5-80873202-G-T. GRCh37 (hg19) VCF-style: chr5-80169021-G-T.
Other names: c.3217G>T (NM_002439.3); short protein forms A1073S.
Identifiers: ClinVar variation 962763 (VCV000962763.11), dbSNP rs1489181927, ClinGen allele CA360346962.

ClinVar aggregate classification (germline): Uncertain significance. Review status: criteria provided, multiple submitters, no conflicts (2 of 4 stars). 2 submissions from 2 submitters: Uncertain significance (2). Last evaluated 2022-12-21.

Conditions:
Hereditary cancer-predisposing syndrome. Also called: Tumor predisposition; Hereditary neoplastic syndrome; Hereditary Cancer Syndrome; Neoplastic Syndromes, Hereditary. Identifiers: Orphanet 140162, MedGen C0027672, MeSH D009386, MONDO:0015356.

Submissions (2):

Ambry Genetics
Classification: Uncertain significance for Hereditary cancer-predisposing syndrome. Last evaluated: 2022-12-21. Review status: criteria provided, single submitter. Criteria: Ambry Variant Classification Scheme 2023. Collection method: clinical testing. Allele origin: germline.
Comment: The p.A1073S variant (also known as c.3217G>T), located in coding exon 23 of the MSH3 gene, results from a G to T substitution at nucleotide position 3217. The alanine at codon 1073 is replaced by serine, an amino acid with similar properties. This amino acid position is highly conserved. In addition, this alteration is predicted to be deleterious by in silico analysis. Since supporting evidence is limited at this time, the clinical significance of this alteration remains unclear.

Labcorp Genetics (formerly Invitae), Labcorp
Classification: Uncertain significance. Last evaluated: 2019-07-25. Review status: criteria provided, single submitter. Criteria: Invitae Variant Classification Sherloc (09022015). Collection method: clinical testing. Allele origin: germline.
Comment: In summary, the available evidence is currently insufficient to determine the role of this variant in disease. Therefore, it has been classified as a Variant of Uncertain Significance. Algorithms developed to predict the effect of missense changes on protein structure and function are either unavailable or do not agree on the potential impact of this missense change (SIFT: "Deleterious"; PolyPhen-2: "Probably Damaging"; Align-GVGD: "Class C0"). This variant has not been reported in the literature in individuals with MSH3-related conditions. This variant is not present in population databases (ExAC no frequency). This sequence change replaces alanine with serine at codon 1073 of the MSH3 protein (p.Ala1073Ser). The alanine residue is moderately conserved and there is a moderate physicochemical difference between alanine and serine.